The following is an entry in ClinVar:

ClinVar aggregate classification (germline): Uncertain significance (1 of 4 stars; one submission).

Submission:

Labcorp Genetics (formerly Invitae), Labcorp
Classification: Uncertain significance. Last evaluated: 2022-09-06. Review status: criteria provided, single submitter. Criteria: Invitae Variant Classification Sherloc (09022015). Collection method: clinical testing. Allele origin: germline.
Comment: In summary, the available evidence is currently insufficient to determine the role of this variant in disease. Therefore, it has been classified as a Variant of Uncertain Significance. Experimental studies and prediction algorithms are not available or were not evaluated, and the functional significance of this variant is currently unknown. This variant has not been reported in the literature in individuals affected with RMND1-related conditions. This variant is not present in population databases (gnomAD no frequency). This variant, c.808_810del, results in the deletion of 1 amino acid(s) of the RMND1 protein (p.Glu270del), but otherwise preserves the integrity of the reading frame.

NM_017909.4(RMND1):c.805GAA[1] (p.Glu270del)

Gene: RMND1 (required for meiotic nuclear division 1 homolog; minus strand). Cytogenetic location: 6q25.1.
Variant type: Microsatellite.
Coding change: c.805GAA[1] on transcript NM_017909.4 (MANE Select); one copy of the 3-base unit GAA starting at c.805; the reference has two copies in a row; one copy, 3 bases deleted.
Protein change: p.Glu270del; deletes glutamic acid 270.
Molecular consequence: inframe deletion.
Genome position (GRCh38, 1-based): chr6:151,427,502-151,427,504, TTC deleted on the plus strand (GAA on the coding strand, the reverse complement: RMND1 is on the minus strand); deleting any 3 consecutive bases within chr6:151,427,502-151,427,507 gives the same sequence; the position shown is the placement nearest the transcript's 3' end. VCF-style (leftmost placement, unchanged base first): chr6-151427501-GTTC-G. GRCh37 (hg19) VCF-style: chr6-151748636-GTTC-G.
Other names: c.295GAA[1], p.Glu100del (NM_001271937.2); short protein forms E100del, E270del.
Identifiers: ClinVar variation 2122411 (VCV002122411.4), dbSNP rs2485915112, ClinGen allele CA2580615796.